The following is an entry in ClinVar:

ClinVar aggregate classification (germline): Uncertain significance (1 of 4 stars; one submission).

Conditions:
Encephalopathy, acute, infection-induced (herpes-specific), susceptibility to, 6. Also called: Herpes simplex encephalitis, susceptibility to, 4. Identifiers: Orphanet 1930, MedGen C3553869, MONDO:0013921, OMIM 614850.

Allele frequency attached by ClinVar (database versions not stated): 1000 Genomes Project 30x 0.00016; 1000 Genomes Project 0.00020.
gnomAD v4.1: 6 of 1,613,762 alleles (0.00037%); highest among the groups gnomAD compares: South Asian, 0.0033%; no homozygotes.

Submission:

Labcorp Genetics (formerly Invitae), Labcorp
Classification: Uncertain significance for Encephalopathy, acute, infection-induced (herpes-specific), susceptibility to, 6. Last evaluated: 2021-09-01. Review status: criteria provided, single submitter. Criteria: Invitae Variant Classification Sherloc (09022015). Collection method: clinical testing. Allele origin: germline.
Comment: This sequence change replaces arginine with glutamine at codon 547 of the TICAM1 protein (p.Arg547Gln). The arginine residue is moderately conserved and there is a small physicochemical difference between arginine and glutamine. This variant is present in population databases (rs567288271, ExAC no frequency). This variant has not been reported in the literature in individuals affected with TICAM1-related conditions. Algorithms developed to predict the effect of missense changes on protein structure and function output the following: SIFT: "Tolerated"; PolyPhen-2: "Benign"; Align-GVGD: "Class C0". The glutamine amino acid residue is found in multiple mammalian species, which suggests that this missense change does not adversely affect protein function. In summary, the available evidence is currently insufficient to determine the role of this variant in disease. Therefore, it has been classified as a Variant of Uncertain Significance.

NM_182919.4(TICAM1):c.1640G>A (p.Arg547Gln)

Gene: TICAM1 (TIR domain containing adaptor molecule 1; minus strand). Cytogenetic location: 19p13.3.
Variant type: single nucleotide variant.
Coding change: c.1640G>A on transcript NM_182919.4 (MANE Select); coding-DNA position 1640, G replaced by A.
Protein change: p.Arg547Gln; replaces arginine 547 with glutamine.
Molecular consequence: missense variant.
Genome position (GRCh38, 1-based): chr19:4,816,738, C>T on the plus strand (G>A on the coding strand, the complement: TICAM1 is on the minus strand). VCF-style: chr19-4816738-C-T. GRCh37 (hg19) VCF-style: chr19-4816750-C-T.
Other names: c.1598G>A, p.Arg533Gln (NM_001385678.1); c.1505G>A, p.Arg502Gln (NM_001385679.1); c.998G>A, p.Arg333Gln (NM_001385680.1); short protein forms R333Q, R502Q, R533Q, R547Q.
Identifiers: ClinVar variation 1055759 (VCV001055759.7), dbSNP rs567288271, ClinGen allele CA9105093.